The following is an entry in ClinVar:

NM_001378418.1(TCF20):c.2797T>C (p.Phe933Leu)

Gene: TCF20 (transcription factor 20; minus strand). Cytogenetic location: 22q13.2.
Variant type: single nucleotide variant.
Coding change: c.2797T>C on transcript NM_001378418.1 (MANE Select); coding-DNA position 2797, T replaced by C.
Protein change: p.Phe933Leu; replaces phenylalanine 933 with leucine.
Molecular consequence: missense variant.
Genome position (GRCh38, 1-based): chr22:42,212,509, A>G on the plus strand (T>C on the coding strand, the complement: TCF20 is on the minus strand). VCF-style: chr22-42212509-A-G. GRCh37 (hg19) VCF-style: chr22-42608515-A-G.
Other names: c.2797T>C, p.Phe933Leu (NM_005650.4, NM_181492.3); short protein forms F933L.
Identifiers: ClinVar variation 709641 (VCV000709641.16), dbSNP rs201923234, ClinGen allele CA10266956.
Genomic context (GRCh38, chr22:42,212,509, plus strand): 5'-GATGGCAGTGGTCTCCAGATTTCTTGTTGTTGAAACTAGCTTGAGATTTAGACTGTTCAA[A>G]GTCTTCCTCTTTTATCTGCCCGCTCTGGGATTTCAGCTTGGTTTCCATGGACACCAAACC-3'
Protein context (NP_001365347.1, residues 923-943): SQSGQIKEED[Phe933Leu]EQSKSQASFN

ClinVar aggregate classification (germline): Benign. Review status: criteria provided, multiple submitters, no conflicts (2 of 4 stars). 3 submissions from 3 submitters: Benign (2). 1 of the submissions does not count toward it. Last evaluated 2026-01-31.

Conditions:
TCF20-related disorder. Also called: TCF20-related condition.

Allele frequency attached by ClinVar (database versions not stated): gnomAD 0.00010 and 0.00011; gnomAD exomes 0.00014 and 0.00072; TOPMed 0.00029; 1000 Genomes Project 0.00040; 1000 Genomes Project 30x 0.00062; ExAC 0.00062.
gnomAD v4.1: 220 of 1,614,206 alleles (0.014%); highest among the groups gnomAD compares: Admixed American, 0.36%; no homozygotes.

Submissions (3):

Labcorp Genetics (formerly Invitae), Labcorp
Classification: Benign. Last evaluated: 2026-01-31. Review status: criteria provided, single submitter. Criteria: Invitae Variant Classification Sherloc (09022015). Collection method: clinical testing. Allele origin: germline.

CeGaT Center for Human Genetics Tuebingen
Classification: Benign. Last evaluated: 2025-12-01. Review status: criteria provided, single submitter. Criteria: CeGaT Center For Human Genetics Tuebingen Variant Classification Criteria Version 2. Collection method: clinical testing. Allele origin: germline. Affected: yes. Observed: 1 variant allele.
Comment: TCF20: BS1, BS2

PreventionGenetics, part of Exact Sciences
Classification: Benign for TCF20-related condition. Last evaluated: 2021-07-07. Review status: no assertion criteria provided. Collection method: clinical testing. Allele origin: germline. Not counted in ClinVar's aggregate classification.
Comment: This variant is classified as benign based on ACMG/AMP sequence variant interpretation guidelines (Richards et al. 2015 PMID: 25741868, with internal and published modifications).